The following is an entry in ClinVar:

NM_015164.4(PLEKHM2):c.2104A>G (p.Met702Val)

Gene: PLEKHM2 (pleckstrin homology and RUN domain containing M2; plus strand). Cytogenetic location: 1p36.21.
Variant type: single nucleotide variant.
Coding change: c.2104A>G on transcript NM_015164.4 (MANE Select); coding-DNA position 2104, A replaced by G.
Protein change: p.Met702Val; replaces methionine 702 with valine.
Molecular consequence: missense variant.
Genome position (GRCh38, 1-based): chr1:15,729,825, A>G. VCF-style: chr1-15729825-A-G. GRCh37 (hg19) VCF-style: chr1-16056320-A-G.
Other names: c.2044A>G, p.Met682Val (NM_001410755.1); short protein forms M682V, M702V.
Identifiers: ClinVar variation 4812769 (VCV004812769.1).

ClinVar aggregate classification (germline): Uncertain significance (1 of 4 stars; one submission).

gnomAD v4.1: 1 of 1,613,200 alleles (0.000062%); highest among the groups gnomAD compares: Non-Finnish European, 0.000085%; no homozygotes.

Submission:

Labcorp Genetics (formerly Invitae), Labcorp
Classification: Uncertain significance. Last evaluated: 2025-09-14. Review status: criteria provided, single submitter. Criteria: Invitae Variant Classification Sherloc (09022015). Collection method: clinical testing. Allele origin: germline.
Comment: This sequence change replaces methionine, which is neutral and non-polar, with valine, which is neutral and non-polar, at codon 702 of the PLEKHM2 protein (p.Met702Val). This variant is present in population databases (rs755894108, gnomAD 0.0009%). This variant has not been reported in the literature in individuals affected with PLEKHM2-related conditions. An algorithm developed to predict the effect of missense changes on protein structure and function (PolyPhen-2) suggests that this variant is likely to be tolerated. In summary, the available evidence is currently insufficient to determine the role of this variant in disease. Therefore, it has been classified as a Variant of Uncertain Significance.